The following is an entry in ClinVar:

NM_001363118.2(SLC52A2):c.1135_1137del (p.Trp379del)

Gene: SLC52A2 (solute carrier family 52 member 2; plus strand).
Variant type: Deletion.
Coding change: c.1135_1137del on transcript NM_001363118.2 (MANE Select); coding-DNA positions 1135 to 1137, 3 bases deleted.
Protein change: p.Trp379del; deletes tryptophan 379.
Molecular consequence: non-coding transcript variant (on NR_045600.2).
Other names: c.1135_1137del, p.Trp379del (NM_001253815.2, NM_001253816.2, NM_001363120.2 and 5 more transcripts); c.643_645del, p.Trp215del (NM_001363122.2, NM_001438089.1, NM_001438494.1 and 2 more transcripts); c.871_873del, p.Trp291del (NM_001410949.1); short protein forms W215del, W291del, W379del.
Identifiers: ClinVar variation 4686713 (VCV004686713.1).

ClinVar aggregate classification (germline): Uncertain significance (1 of 4 stars; one submission).

Conditions:
Brown-Vialetto-van Laere syndrome 2. Also called: Riboflavin transporter deficiency type 2; SPINOCEREBELLAR ATAXIA WITH BLINDNESS AND DEAFNESS 2. Identifiers: Orphanet 572543, Orphanet 97229, MedGen C3553538, MONDO:0013867, OMIM 614707.

Submission:

Department of Medical and Molecular Genetics, Dongguan Institute of Pediatrics
Classification: Uncertain significance for Brown-Vialetto-van Laere syndrome 2. Last evaluated: 2020-12-08. Review status: criteria provided, single submitter. Criteria: ACMG Guidelines, 2015. Collection method: clinical testing. Allele origin: germline. Inheritance: Autosomal recessive inheritance. Affected: yes.
Comment: The NM_001363118.2: c.1135_1137del variant is an in-frame deletion in the SLC52A2 gene, predicted to remove a single tryptophan residue at position 379 (p.Trp379del). This deletion is located in a non-repeat region and alters the protein length (PM4). The variant is absent or at an extremely low frequency in population databases (PM2_Supporting). In summary, this variant meets the following ACMG/AMP criteria: PM2_Supporting, PM4. Based on the current evidence, it is classified as a Variant of Uncertain Significance (VUS).

Literature cited by the submitters: PubMed 24253200.